The following is an entry in ClinVar:

ClinVar aggregate classification (germline): Uncertain significance (1 of 4 stars; one submission).

Submission:

GeneDx
Classification: Uncertain significance. Last evaluated: 2026-02-19. Review status: criteria provided, single submitter. Criteria: GeneDx Variant Classification Process June 2021. Collection method: clinical testing. Allele origin: germline.
Comment: Not observed at significant frequency in large population cohorts (gnomAD); In silico analysis suggests that this missense variant does not alter protein structure/function; Has not been previously published as pathogenic or benign to our knowledge

NM_175634.3(RUNX1T1):c.894G>C (p.Gln298His)

Gene: RUNX1T1 (RUNX1 partner transcriptional co-repressor 1; minus strand). Cytogenetic location: 8q21.3.
Variant type: single nucleotide variant.
Coding change: c.894G>C on transcript NM_175634.3 (MANE Select); coding-DNA position 894, G replaced by C.
Protein change: p.Gln298His; replaces glutamine 298 with histidine.
Molecular consequence: missense variant.
Genome position (GRCh38, 1-based): chr8:91,991,736, C>G on the plus strand (G>C on the coding strand, the complement: RUNX1T1 is on the minus strand). VCF-style: chr8-91991736-C-G. GRCh37 (hg19) VCF-style: chr8-93003964-C-G.
Other names: c.813G>C, p.Gln271His (NM_001198625.2, NM_001198632.2, NM_004349.4); c.894G>C, p.Gln298His (NM_001198626.2, NM_001198627.2, NM_001198628.2 and 3 more transcripts); c.834G>C, p.Gln278His (NM_001198633.2); c.927G>C, p.Gln309His (NM_001198634.2); c.1071G>C, p.Gln357His (NM_001198679.3); c.978G>C, p.Gln326His (NM_001395209.1); c.783G>C, p.Gln261His (NM_175635.3, NM_175636.2); short protein forms Q261H, Q271H, Q278H, Q298H, Q309H, Q326H, Q357H.
Identifiers: ClinVar variation 4976378 (VCV004976378.1).